The following is an entry in ClinVar:

ClinVar aggregate classification (germline): Likely benign. Review status: criteria provided, multiple submitters, no conflicts (2 of 4 stars). 4 submissions from 4 submitters: Likely benign (3). 1 of the submissions does not count toward it. Last evaluated 2024-10-22.

Conditions:
Inborn genetic diseases. Identifiers: MedGen C0950123, MeSH D030342.
PPA2-related disorder. Also called: PPA2-related disorders; PPA2-related condition.

Allele frequency attached by ClinVar (database versions not stated): gnomAD exomes 0.00032 and 0.00043; ESP Exome Variant Server 0.00039; ExAC 0.00045; 1000 Genomes Project 30x 0.00125; 1000 Genomes Project 0.00140; gnomAD 0.00178 and 0.00190; TOPMed 0.00192.
gnomAD v4.1: 752 of 1,607,192 alleles (0.047%); highest among the groups gnomAD compares: African/African-American, 0.48%; 2 homozygotes.

Submissions (4):

Blueprint Genetics
Classification: Likely benign. Last evaluated: 2024-10-22. Review status: criteria provided, single submitter. Criteria: ACMG Guidelines, 2015. Collection method: clinical testing. Allele origin: germline.

Ambry Genetics
Classification: Likely benign for Inborn genetic diseases. Last evaluated: 2021-06-02. Review status: criteria provided, single submitter. Criteria: Ambry Variant Classification Scheme 2023. Collection method: clinical testing. Allele origin: germline.

Labcorp Genetics (formerly Invitae), Labcorp
Classification: Likely benign. Last evaluated: 2019-12-31. Review status: criteria provided, single submitter. Criteria: Invitae Variant Classification Sherloc (09022015). Collection method: clinical testing. Allele origin: germline.

PreventionGenetics, part of Exact Sciences
Classification: Likely benign for PPA2-related condition. Last evaluated: 2022-11-11. Review status: no assertion criteria provided. Collection method: clinical testing. Allele origin: germline. Not counted in ClinVar's aggregate classification.
Comment: This variant is classified as likely benign based on ACMG/AMP sequence variant interpretation guidelines (Richards et al. 2015 PMID: 25741868, with internal and published modifications).

NM_176869.3(PPA2):c.53T>G (p.Leu18Arg)

Gene: PPA2 (inorganic pyrophosphatase 2; minus strand). Cytogenetic location: 4q24.
Variant type: single nucleotide variant.
Coding change: c.53T>G on transcript NM_176869.3 (MANE Select); coding-DNA position 53, T replaced by G.
Protein change: p.Leu18Arg; replaces leucine 18 with arginine.
Molecular consequence: missense variant.
Genome position (GRCh38, 1-based): chr4:105,473,998, A>C on the plus strand (T>G on the coding strand, the complement: PPA2 is on the minus strand). VCF-style: chr4-105473998-A-C. GRCh37 (hg19) VCF-style: chr4-106395155-A-C.
Other names: c.53T>G, p.Leu18Arg (NM_006903.4, NM_176866.2, NM_176867.3); short protein forms L18R.
Identifiers: ClinVar variation 755322 (VCV000755322.10), dbSNP rs140480743, ClinGen allele CA3032862.